The following is an entry in ClinVar:

NM_006440.5(TXNRD2):c.1460A>C (p.Tyr487Ser)

Gene: TXNRD2 (thioredoxin reductase 2; minus strand). Cytogenetic location: 22q11.21.
Variant type: single nucleotide variant.
Coding change: c.1460A>C on transcript NM_006440.5 (MANE Select); coding-DNA position 1460, A replaced by C.
Protein change: p.Tyr487Ser; replaces tyrosine 487 with serine.
Molecular consequence: missense variant.
Genome position (GRCh38, 1-based): chr22:19,877,220, T>G on the plus strand (A>C on the coding strand, the complement: TXNRD2 is on the minus strand). VCF-style: chr22-19877220-T-G. GRCh37 (hg19) VCF-style: chr22-19864743-T-G.
Other names: c.1457A>C, p.Tyr486Ser (NM_001352300.2); c.1370A>C, p.Tyr457Ser (NM_001352301.2); c.1172A>C, p.Tyr391Ser (NM_001352302.2); short protein forms Y486S, Y391S, Y457S, Y487S.
Identifiers: ClinVar variation 2741479 (VCV002741479.3), dbSNP rs367711380, ClinGen allele CA410691648.
Genomic context (GRCh38, chr22:19,877,220, plus strand): 5'-AGCTTGACTACCTCCTCAGAGCATGTGGGATGGATACCCACGGTCCGCATCACCTGCGCA[T>G]AGGAAGCCCCACACCTGCACATGGGGGATGGGGGAGGCAGGCGGGGTCAGCACAGGGAGG-3'
Protein context (NP_006431.2, residues 477-497): FALGIKCGAS[Tyr487Ser]AQVMRTVGIH

ClinVar aggregate classification (germline): Uncertain significance (1 of 4 stars; one submission).

Conditions:
Primary dilated cardiomyopathy (DCM). Also called: Dilated Cardiomyopathy. Identifiers: Orphanet 217604, MedGen C0007193, MeSH D002311, MONDO:0005021, HP:0001644. Inheritance: Various modes of inheritance.

Submission:

Labcorp Genetics (formerly Invitae), Labcorp
Classification: Uncertain significance for Primary dilated cardiomyopathy. Last evaluated: 2023-02-21. Review status: criteria provided, single submitter. Criteria: Invitae Variant Classification Sherloc (09022015). Collection method: clinical testing. Allele origin: germline.
Comment: In summary, the available evidence is currently insufficient to determine the role of this variant in disease. Therefore, it has been classified as a Variant of Uncertain Significance. Advanced modeling of protein sequence and biophysical properties (such as structural, functional, and spatial information, amino acid conservation, physicochemical variation, residue mobility, and thermodynamic stability) performed at Invitae indicates that this missense variant is not expected to disrupt TXNRD2 protein function. This variant has not been reported in the literature in individuals affected with TXNRD2-related conditions. This variant is not present in population databases (gnomAD no frequency). This sequence change replaces tyrosine, which is neutral and polar, with serine, which is neutral and polar, at codon 487 of the TXNRD2 protein (p.Tyr487Ser).